The following is an entry in ClinVar:

ClinVar aggregate classification (germline): Uncertain significance. Review status: criteria provided, single submitter (1 of 4 stars). 2 submissions from 2 submitters: Uncertain significance (1). 1 of the submissions does not count toward it. Last evaluated 2025-04-25.

Conditions:
Usher syndrome type 1B (USH1B). Also called: Usher syndrome type IB. Identifiers: MedGen C1848638, MONDO:0700087.

Submissions (2):

GeneDx
Classification: Uncertain significance. Last evaluated: 2025-04-25. Review status: criteria provided, single submitter. Criteria: GeneDx Variant Classification Process June 2021. Collection method: clinical testing. Allele origin: germline. Affected: yes.
Comment: In-frame deletion of 1 amino acid in a non-repeat region; Not observed at significant frequency in large population cohorts (gnomAD); In silico analysis supports a deleterious effect on protein structure/function; Has not been previously published as pathogenic or benign to our knowledge

Natera, Inc.
Classification: Uncertain significance for Usher syndrome type 1B. Last evaluated: 2020-04-17. Review status: no assertion criteria provided. Collection method: clinical testing. Allele origin: germline. Not counted in ClinVar's aggregate classification.

NM_000260.4(MYO7A):c.6384CCT[1] (p.Leu2130del)

Gene: MYO7A (myosin VIIA; plus strand). Cytogenetic location: 11q13.5.
Variant type: Microsatellite.
Coding change: c.6384CCT[1] on transcript NM_000260.4 (MANE Select); one copy of the 3-base unit CCT starting at c.6384; the reference has two copies in a row; one copy, 3 bases deleted; also written c.6387_6389del.
Protein change: p.Leu2130del; deletes leucine 2130.
Molecular consequence: inframe deletion.
Genome position (GRCh38, 1-based): chr11:77,212,984-77,212,986, CCT deleted; deleting any 3 consecutive bases within chr11:77,212,980-77,212,986 gives the same sequence; the position shown is the placement nearest the transcript's 3' end. VCF-style (leftmost placement, unchanged base first): chr11-77212979-ATCC-A. GRCh37 (hg19) VCF-style: chr11-76924024-ATCC-A.
Other names: c.6387_6389delCCT (NM_000260.4); c.6387_6389del (NM_000260.3); c.6264CCT[1], p.Leu2090del (NM_001127180.2); c.6237CCT[1], p.Leu2081del (NM_001369365.1); short protein forms L2081del, L2090del, L2130del.
Identifiers: ClinVar variation 989494 (VCV000989494.2), dbSNP rs539755538, ClinGen allele CA6199054.